The following is an entry in ClinVar:

NM_006218.4(PIK3CA):c.2004T>G (p.Phe668Leu)

Gene: PIK3CA (phosphatidylinositol-4,5-bisphosphate 3-kinase catalytic subunit alpha; plus strand). Cytogenetic location: 3q26.32.
Variant type: single nucleotide variant.
Coding change: c.2004T>G on transcript NM_006218.4 (MANE Select); coding-DNA position 2004, T replaced by G.
Protein change: p.Phe668Leu; replaces phenylalanine 668 with leucine.
Molecular consequence: missense variant.
Genome position (GRCh38, 1-based): chr3:179,220,041, T>G. VCF-style: chr3-179220041-T-G. GRCh37 (hg19) VCF-style: chr3-178937829-T-G.
Other names: short protein forms F668L.
Identifiers: ClinVar variation 3418554 (VCV003418554.1).

ClinVar aggregate classification (germline): Uncertain significance (1 of 4 stars; one submission).

Conditions:
Inborn genetic diseases. Identifiers: MedGen C0950123, MeSH D030342.

Submission:

Ambry Genetics
Classification: Uncertain significance for Inborn genetic diseases. Last evaluated: 2024-11-20. Review status: criteria provided, single submitter. Criteria: Ambry Variant Classification Scheme 2023. Collection method: clinical testing. Allele origin: germline.
Comment: The p.F668L variant (also known as c.2004T>G), located in coding exon 12 of the PIK3CA gene, results from a T to G substitution at nucleotide position 2004. The phenylalanine at codon 668 is replaced by leucine, an amino acid with highly similar properties. This amino acid position is conserved. In addition, this alteration is predicted to be deleterious by in silico analysis. Based on the available evidence, the clinical significance of this variant remains unclear.